The following is an entry in ClinVar:

ClinVar aggregate classification (germline): Pathogenic/Likely pathogenic. Review status: criteria provided, multiple submitters, no conflicts (2 of 4 stars). 2 submissions from 2 submitters: Pathogenic (1); Likely pathogenic (1). Last evaluated 2025-12-15.

Conditions:
Hyperornithinemia-hyperammonemia-homocitrullinuria syndrome (HHHS). Also called: HHH SYNDROME; Ornithine translocase deficiency. Identifiers: Orphanet 415, MedGen C0268540, MONDO:0009393, OMIM 238970.

Submissions (2):

Labcorp Genetics (formerly Invitae), Labcorp
Classification: Pathogenic for Hyperornithinemia-hyperammonemia-homocitrullinuria syndrome. Last evaluated: 2025-12-15. Review status: criteria provided, single submitter. Criteria: Invitae Variant Classification Sherloc (09022015). Collection method: clinical testing. Allele origin: germline.
Comment: This sequence change creates a premature translational stop signal (p.Met137Cysfs*10) in the SLC25A15 gene. It is expected to result in an absent or disrupted protein product. Loss-of-function variants in SLC25A15 are known to be pathogenic (PMID: 11552031, 19242930). This variant is present in population databases (rs780201405, gnomAD 0.006%). This variant has not been reported in the literature in individuals affected with SLC25A15-related conditions. ClinVar contains an entry for this variant (Variation ID: 851641). For these reasons, this variant has been classified as Pathogenic.

Natera, Inc.
Classification: Likely pathogenic for Hyperornithinemia-hyperammonemia-homocitrullinuria syndrome. Last evaluated: 2024-05-23. Review status: criteria provided, single submitter. Criteria: Natera Variant Classification Schema (03/2026). Collection method: clinical testing. Allele origin: germline.
Comment: The c.408delC variant in SLC25A15 is a frameshift variant predicted to shift the reading frame beginning at codon 137 and leads to a stop codon 10 codons downstream. This variant is expected to result in nonsense mediated decay, truncation, or a dysfunctional protein product. This variant is rare in the general population with a frequency below the threshold expected for the associated phenotype(s). Given the available evidence, this variant is classified as Likely Pathogenic.

Literature cited by the submitters: PubMed 11552031 (cited by Labcorp Genetics (formerly Invitae), Labcorp); PubMed 19242930 (cited by Labcorp Genetics (formerly Invitae), Labcorp).

NM_014252.4(SLC25A15):c.408del (p.Met137fs)

Gene: SLC25A15 (solute carrier family 25 member 15; plus strand). Cytogenetic location: 13q14.11.
Variant type: Deletion.
Coding change: c.408del on transcript NM_014252.4 (MANE Select); coding-DNA position 408, one base deleted (C; older notation c.408delC).
Protein change: p.Met137fs; shifts the reading frame from methionine 137.
Molecular consequence: frameshift variant.
Genome position (GRCh38, 1-based): chr13:40,805,211, C deleted; the last of 2 consecutive C bases (chr13:40,805,210-40,805,211); deleting either gives the same sequence. VCF-style (leftmost placement, unchanged base first): chr13-40805209-AC-A. GRCh37 (hg19) VCF-style: chr13-41379345-AC-A.
Other names: c.408delC (NM_014252.3); short protein forms M137fs.
Identifiers: ClinVar variation 851641 (VCV000851641.11), dbSNP rs780201405, ClinGen allele CA6959717.